The following is an entry in ClinVar:

NM_001379291.1(BRD4):c.2357C>T (p.Pro786Leu)

Gene: BRD4 (bromodomain containing 4; minus strand). Cytogenetic location: 19p13.12.
Variant type: single nucleotide variant.
Coding change: c.2357C>T on transcript NM_001379291.1 (MANE Select); coding-DNA position 2357, C replaced by T.
Protein change: p.Pro786Leu; replaces proline 786 with leucine.
Molecular consequence: missense variant.
Genome position (GRCh38, 1-based): chr19:15,244,455, G>A on the plus strand (C>T on the coding strand, the complement: BRD4 is on the minus strand). VCF-style: chr19-15244455-G-A. GRCh37 (hg19) VCF-style: chr19-15355266-G-A.
Other names: c.2357C>T, p.Pro786Leu (NM_058243.3); short protein forms P786L.
Identifiers: ClinVar variation 2900084 (VCV002900084.4), dbSNP rs770044101, ClinGen allele CA9264966.

ClinVar aggregate classification (germline): Likely benign. Review status: criteria provided, multiple submitters, no conflicts (2 of 4 stars). 2 submissions from 2 submitters: Likely benign (2). Last evaluated 2026-07-01.

Allele frequency attached by ClinVar (database versions not stated): gnomAD 0.00008; TOPMed 0.00016.
gnomAD v4.1: 180 of 1,550,924 alleles (0.012%); highest among the groups gnomAD compares: Middle Eastern, 0.091%; 1 homozygote.

Submissions (2):

CeGaT Center for Human Genetics Tuebingen
Classification: Likely benign. Last evaluated: 2026-07-01. Review status: criteria provided, single submitter. Criteria: CeGaT Center For Human Genetics Tuebingen Variant Classification Criteria Version 2. Collection method: clinical testing. Allele origin: germline. Affected: yes. Observed: 1 variant allele.
Comment: BRD4: BS2

Labcorp Genetics (formerly Invitae), Labcorp
Classification: Likely benign. Last evaluated: 2025-10-01. Review status: criteria provided, single submitter. Criteria: Invitae Variant Classification Sherloc (09022015). Collection method: clinical testing. Allele origin: germline.